The following is an entry in ClinVar:

NM_001349338.3(FOXP1):c.696_705del (p.Leu231_Trp232insTer)

Gene: FOXP1 (forkhead box P1; minus strand). Cytogenetic location: 3p13.
Variant type: Deletion.
Coding change: c.696_705del on transcript NM_001349338.3 (MANE Select); coding-DNA positions 696 to 705, 10 bases deleted (GAAAGAAGTG; older notation c.696_705delGAAAGAAGTG).
Protein change: p.Leu231_Trp232insTer.
Molecular consequence: nonsense. On other transcripts: non-coding transcript variant (2).
Genome position (GRCh38, 1-based): chr3:71,041,492-71,041,501, CACTTCTTTC deleted on the plus strand (GAAAGAAGTG on the coding strand, the reverse complement: FOXP1 is on the minus strand); deleting any 10 consecutive bases within chr3:71,041,492-71,041,503 gives the same sequence; the c. name uses the placement nearest the transcript's 3' end. VCF-style (leftmost placement, unchanged base first): chr3-71041491-TCACTTCTTTC-T. GRCh37 (hg19) VCF-style: chr3-71090642-TCACTTCTTTC-T.
Other names: c.696_705del, p.Leu231_Trp232insTer (NM_001244808.3, NM_001244810.2, NM_001244814.3 and 3 more transcripts); c.468_477del, p.Leu155_Trp156insTer (NM_001244812.3); c.396_405del, p.Leu131_Trp132insTer (NM_001244813.3, NM_001244815.2, NM_001349342.3 and 1 more transcripts); c.393_402del, p.Leu130_Trp131insTer (NM_001349337.2, NM_001349343.3, NM_001349344.3); c.693_702del, p.Leu230_Trp231insTer (NM_001349341.3).
Identifiers: ClinVar variation 3765656 (VCV003765656.1).

ClinVar aggregate classification (germline): Likely pathogenic (1 of 4 stars; one submission).

Conditions:
Intellectual disability-severe speech delay-mild dysmorphism syndrome (IDDLA). Also called: Intellectual developmental disorder with language impairment AND with or without autistic features; FOXP1 Syndrome; Mental retardation with language impairment and autistic features. Identifiers: Orphanet 391372, MedGen C4013764, MONDO:0013352, OMIM 613670.

Submission:

Greenwood Genetic Center Diagnostic Laboratories, Greenwood Genetic Center
Classification: Likely pathogenic for Intellectual disability-severe speech delay-mild dysmorphism syndrome. Last evaluated: 2024-09-20. Review status: criteria provided, single submitter. Criteria: ACMG Guidelines, 2015. Collection method: clinical testing. Allele origin: germline. Affected: yes.
Comment: PVS1, PM2